The following is an entry in ClinVar:

ClinVar aggregate classification (germline): Pathogenic/Likely pathogenic. Review status: criteria provided, multiple submitters, no conflicts (2 of 4 stars). 3 submissions from 3 submitters: Pathogenic (1); Likely pathogenic (2). Last evaluated 2025-03-27.

Conditions:
Fanconi anemia (FA). Also called: Fanconi's anemia. Identifiers: Orphanet 84, MedGen C0015625, MeSH D005199, MONDO:0019391.

Submissions (3):

Labcorp Genetics (formerly Invitae), Labcorp
Classification: Pathogenic for Fanconi anemia. Last evaluated: 2025-03-27. Review status: criteria provided, single submitter. Criteria: Invitae Variant Classification Sherloc (09022015). Collection method: clinical testing. Allele origin: germline.
Comment: This sequence change creates a premature translational stop signal (p.Ser1917Leufs*2) in the FANCM gene. It is expected to result in an absent or disrupted protein product. Loss-of-function variants in FANCM are known to be pathogenic (PMID: 29895858, 30075111). This variant is not present in population databases (gnomAD no frequency). This variant has not been reported in the literature in individuals affected with FANCM-related conditions. ClinVar contains an entry for this variant (Variation ID: 960456). For these reasons, this variant has been classified as Pathogenic.

Quest Diagnostics Nichols Institute San Juan Capistrano
Classification: Likely pathogenic. Last evaluated: 2024-12-07. Review status: criteria provided, single submitter. Criteria: Quest Diagnostics criteria. Collection method: clinical testing. Allele origin: unknown.
Comment: The FANCM c.5749_5750del (p.Ser1917Leufs*2) variant has been reported in the published literature in an individual with breast cancer (PMID: 37444426 (2023)). The frequency of this variant in the general population, 0.000019 (1/51936 chromosomes (Genome Aggregation Database)), is uninformative in the assessment of its pathogenicity. Based on the available information, this variant is classified as likely pathogenic for autosomal recessive FANCM-related disorders, and of uncertain significance for autosomal dominant cancer risk.

GeneDx
Classification: Likely pathogenic. Last evaluated: 2024-07-22. Review status: criteria provided, single submitter. Criteria: GeneDx Variant Classification Process June 2021. Collection method: clinical testing. Allele origin: germline. Affected: yes.
Comment: Frameshift variant predicted to result in protein truncation or nonsense mediated decay in a gene for which loss-of-function is a known mechanism of disease; Not observed at significant frequency in large population cohorts (gnomAD); Observed in individual(s) with breast cancer (PMID: 37444426); This variant is associated with the following publications: (PMID: 37444426)

Literature cited by the submitters: PubMed 29895858 (cited by Labcorp Genetics (formerly Invitae), Labcorp); PubMed 30075111 (cited by Labcorp Genetics (formerly Invitae), Labcorp); PubMed 37444426 (cited by Quest Diagnostics Nichols Institute San Juan Capistrano).

NM_020937.4(FANCM):c.5749_5750del (p.Ser1917fs)

Gene: FANCM (FA complementation group M; plus strand). Cytogenetic location: 14q21.2.
Variant type: Microsatellite.
Coding change: c.5749_5750del on transcript NM_020937.4 (MANE Select); coding-DNA positions 5749 to 5750, 2 bases deleted (AG; older notation c.5749_5750delAG).
Protein change: p.Ser1917fs; shifts the reading frame from serine 1917.
Molecular consequence: frameshift variant.
Genome position (GRCh38, 1-based): chr14:45,198,676-45,198,677, AG deleted; deleting any 2 consecutive bases within chr14:45,198,674-45,198,677 gives the same sequence; the c. name uses the placement nearest the transcript's 3' end. VCF-style (leftmost placement, unchanged base first): chr14-45198673-AAG-A. GRCh37 (hg19) VCF-style: chr14-45667876-AAG-A.
Other names: c.5671_5672del, p.Ser1891fs (NM_001308133.2); c.5749_5750del (NM_020937.3); short protein forms S1891fs, S1917fs.
Identifiers: ClinVar variation 960456 (VCV000960456.10), dbSNP rs1203346034, ClinGen allele CA706093861.